The following is an entry in ClinVar:

ClinVar aggregate classification (germline): Likely pathogenic (1 of 4 stars; one submission).

Conditions:
Usher syndrome, type 1M. Identifiers: MedGen C5231434, MONDO:0032841, OMIM 618632.
Autosomal recessive nonsyndromic hearing loss 36. Also called: Deafness, autosomal recessive 36; DEAFNESS, AUTOSOMAL RECESSIVE 36, WITH VESTIBULAR INVOLVEMENT. Identifiers: Orphanet 90636, MedGen C1837007, MONDO:0012170, OMIM 609006.

Submission:

Juno Genomics, Hangzhou Juno Genomics, Inc
Classification: Likely pathogenic for Usher syndrome, type 1M; Autosomal recessive nonsyndromic hearing loss 36. Review status: criteria provided, single submitter. Criteria: ACMG Guidelines, 2015. Collection method: clinical testing. Allele origin: germline.
Comment: Null variant in a gene where loss of function (LOF) is a known mechanism of disease.;Absent from controls (or at extremely low frequency if recessive) in Genome Aggregation Database.

NM_031475.3(ESPN):c.774G>A (p.Trp258Ter)

Gene: ESPN (espin; plus strand). Cytogenetic location: 1p36.31.
Variant type: single nucleotide variant.
Coding change: c.774G>A on transcript NM_031475.3 (MANE Select); coding-DNA position 774, G replaced by A.
Protein change: p.Trp258Ter; replaces tryptophan 258 with a stop codon.
Molecular consequence: nonsense.
Genome position (GRCh38, 1-based): chr1:6,440,724, G>A. VCF-style: chr1-6440724-G-A. GRCh37 (hg19) VCF-style: chr1-6500784-G-A.
Other names: c.774G>A, p.Trp258Ter (NM_001367473.1, NM_001367474.1); short protein forms W258*.
Identifiers: ClinVar variation 5006978 (VCV005006978.2).